The following is an entry in ClinVar:

NM_032119.4(ADGRV1):c.3565C>T (p.Leu1189Phe)

Gene: ADGRV1 (adhesion G protein-coupled receptor V1; plus strand). Cytogenetic location: 5q14.3.
Variant type: single nucleotide variant.
Coding change: c.3565C>T on transcript NM_032119.4 (MANE Select); coding-DNA position 3565, C replaced by T.
Protein change: p.Leu1189Phe; replaces leucine 1189 with phenylalanine.
Molecular consequence: missense variant. On other transcripts: non-coding transcript variant (1).
Genome position (GRCh38, 1-based): chr5:90,652,494, C>T. VCF-style: chr5-90652494-C-T. GRCh37 (hg19) VCF-style: chr5-89948311-C-T.
Other names: c.3565C>T (NM_032119.3); short protein forms L1189F.
Identifiers: ClinVar variation 2801927 (VCV002801927.4), dbSNP rs192477196, ClinGen allele CA121839420.

ClinVar aggregate classification (germline): Conflicting classifications of pathogenicity. Review status: criteria provided, conflicting classifications (1 of 4 stars). 2 submissions from 2 submitters: Uncertain significance (1); Likely benign (1). Last evaluated 2025-05-23.

Allele frequency attached by ClinVar (database versions not stated): gnomAD exomes below 0.00001; gnomAD 0.00001; TOPMed 0.00001.
gnomAD v4.1: 6 of 1,613,228 alleles (0.00037%); highest among the groups gnomAD compares: African/African-American, 0.008%; no homozygotes.

Submissions (2):

GeneDx
Classification: Uncertain significance. Last evaluated: 2025-05-23. Review status: criteria provided, single submitter. Criteria: GeneDx Variant Classification Process June 2021. Collection method: clinical testing. Allele origin: germline. Affected: yes.
Comment: In silico analysis suggests that this missense variant does not alter protein structure/function; Has not been previously published as pathogenic or benign to our knowledge

Labcorp Genetics (formerly Invitae), Labcorp
Classification: Likely benign. Last evaluated: 2023-06-22. Review status: criteria provided, single submitter. Criteria: Invitae Variant Classification Sherloc (09022015). Collection method: clinical testing. Allele origin: germline.